The following is an entry in ClinVar:

NC_000013.11:g.(?_51934746)_(51950409_?)del

Gene: ATP7B (ATPase copper transporting beta; minus strand). Cytogenetic location: 13q14.3.
Variant type: Deletion.
Identifiers: ClinVar variation 830995 (VCV000830995.7).

ClinVar aggregate classification (germline): Pathogenic (1 of 4 stars; one submission).

Conditions:
Wilson disease (WND). Also called: Wilson's disease. Identifiers: Orphanet 905, MedGen C0019202, MONDO:0010200, OMIM 277900. Disease mechanism: loss of function.

Submission:

Labcorp Genetics (formerly Invitae), Labcorp
Classification: Pathogenic for Wilson disease. Last evaluated: 2019-02-26. Review status: criteria provided, single submitter. Criteria: Invitae Variant Classification Sherloc (09022015). Collection method: clinical testing. Allele origin: germline.
Comment: For these reasons, this variant has been classified as Pathogenic. Sub-genic deletion of exons 17-19 has been determined to be pathogenic (PMID: 15024742, 15952988, 15337266, 10544227). Therefore, deletions that fully encompass that region are also expected to be pathogenic. This variant has not been reported in the literature in individuals with ATP7B-related conditions. This variant is a gross deletion of the genomic region encompassing exons 10-21 of the ATP7B gene. The 5' boundary is likely confined to intron 10. The 3' end of this event is unknown as it extends through the termination codon beyond the assayed region for this gene and may encompass additional genes. While this deletion is not anticipated to result in nonsense mediated decay, it is expected to create a truncated protein product or disrupt mRNA translation.

Literature cited by the submitters: PubMed 15024742; PubMed 15952988; PubMed 15337266; PubMed 10544227.